The following is an entry in ClinVar:

ClinVar aggregate classification (germline): Uncertain significance (1 of 4 stars; one submission).

Conditions:
Neuroblastoma, susceptibility to, 3. Also called: ALK-Related Neuroblastic Tumor Susceptibility. Identifiers: Orphanet 635, MedGen C2751681, MONDO:0013083, OMIM 613014.

Submission:

Labcorp Genetics (formerly Invitae), Labcorp
Classification: Uncertain significance for Neuroblastoma, susceptibility to, 3. Last evaluated: 2022-08-16. Review status: criteria provided, single submitter. Criteria: Invitae Variant Classification Sherloc (09022015). Collection method: clinical testing. Allele origin: germline.
Comment: In summary, the available evidence is currently insufficient to determine the role of this variant in disease. Therefore, it has been classified as a Variant of Uncertain Significance. Algorithms developed to predict the effect of missense changes on protein structure and function are either unavailable or do not agree on the potential impact of this missense change (SIFT: "Deleterious"; PolyPhen-2: "Probably Damaging"; Align-GVGD: "Class C15"). ClinVar contains an entry for this variant (Variation ID: 538258). This variant has not been reported in the literature in individuals affected with ALK-related conditions. This variant is not present in population databases (gnomAD no frequency). This sequence change replaces aspartic acid, which is acidic and polar, with tyrosine, which is neutral and polar, at codon 1372 of the ALK protein (p.Asp1372Tyr).

NM_004304.5(ALK):c.4114G>T (p.Asp1372Tyr)

Gene: ALK (ALK receptor tyrosine kinase; minus strand). Cytogenetic location: 2p23.2.
Variant type: single nucleotide variant.
Coding change: c.4114G>T on transcript NM_004304.5 (MANE Select); coding-DNA position 4114, G replaced by T.
Protein change: p.Asp1372Tyr; replaces aspartic acid 1372 with tyrosine.
Molecular consequence: missense variant.
Genome position (GRCh38, 1-based): chr2:29,196,820, C>A on the plus strand (G>T on the coding strand, the complement: ALK is on the minus strand). VCF-style: chr2-29196820-C-A. GRCh37 (hg19) VCF-style: chr2-29419686-C-A.
Other names: c.910G>T, p.Asp304Tyr (NM_001353765.2); short protein forms D1372Y, D304Y.
Identifiers: ClinVar variation 538258 (VCV000538258.8), dbSNP rs535864522, ClinGen allele CA346465191.